The following is an entry in ClinVar:

ClinVar aggregate classification (germline): Pathogenic (1 of 4 stars; one submission).

Conditions:
Congenital muscular dystrophy due to integrin alpha-7 deficiency. Also called: MYOPATHY, CONGENITAL, DUE TO INTEGRIN ALPHA-7 DEFICIENCY; Congenital muscular dystrophy with integrin alpha-7 deficiency; Muscular dystrophy, congenital, due to ITGA7 deficiency. Identifiers: Orphanet 34520, MedGen C2750786, MONDO:0013177, OMIM 613204.

Allele frequency attached by ClinVar (database versions not stated): ExAC 0.00002; gnomAD exomes 0.00002; TOPMed 0.00002.

Submission:

Labcorp Genetics (formerly Invitae), Labcorp
Classification: Pathogenic for Congenital muscular dystrophy due to integrin alpha-7 deficiency. Last evaluated: 2025-06-09. Review status: criteria provided, single submitter. Criteria: Invitae Variant Classification Sherloc (09022015). Collection method: clinical testing. Allele origin: germline.
Comment: This sequence change creates a premature translational stop signal (p.Tyr358Leufs*21) in the ITGA7 gene. It is expected to result in an absent or disrupted protein product. Loss-of-function variants in ITGA7 are known to be pathogenic (PMID: 9590299). This variant is present in population databases (rs750756707, gnomAD 0.004%). This variant has not been reported in the literature in individuals affected with ITGA7-related conditions. ClinVar contains an entry for this variant (Variation ID: 537990). For these reasons, this variant has been classified as Pathogenic.

Literature cited by the submitters: PubMed 9590299.

NM_002206.3(ITGA7):c.1072dup (p.Tyr358fs)

Gene: ITGA7 (integrin subunit alpha 7; minus strand). Cytogenetic location: 12q13.2.
Variant type: Duplication.
Coding change: c.1072dup on transcript NM_002206.3 (MANE Select); coding-DNA position 1072, one base duplicated (T; older notation c.1072dupT).
Protein change: p.Tyr358fs; shifts the reading frame from tyrosine 358.
Molecular consequence: frameshift variant. On other transcripts: 5 prime UTR variant (1).
Genome position (GRCh38, 1-based): chr12:55,698,503, A duplicated on the plus strand (T on the coding strand, the reverse complement: ITGA7 is on the minus strand). VCF-style (leftmost placement, unchanged base first): chr12-55698502-T-TA. GRCh37 (hg19) VCF-style: chr12-56092286-T-TA.
Other names: c.1084dup, p.Tyr362fs (NM_001144996.2); c.793dup, p.Tyr265Leufs (NM_001144997.2); c.745dup, p.Tyr249fs (NM_001367993.1); c.-221dup (NM_001367994.1); c.1072dup, p.Tyr358fs (NM_001374465.1); c.1204dup, p.Tyr402Leufs (NM_001410977.1); c.1084dup, p.Tyr362Leufs (NM_001414029.1); c.952dup, p.Tyr318Leufs (NM_001414032.1); and 4 more; short protein forms Y362fs, Y249fs, Y265fs, Y358fs.
Identifiers: ClinVar variation 537990 (VCV000537990.9), dbSNP rs750756707, ClinGen allele CA6616072.
Genomic context (GRCh38, chr12:55,698,502, plus strand): 5'-TCAGGGGAGCCGCAGAGCCGGAGAGGGGAGATCCCAGCCCAGTGACCCCCCTGGTTCAAG[T>TA]ACACATACACAGCACCCCCCAGCTCTTCTTGGCGCTCAAAGAAGTAGGGGGCACCCACTA-3'